The following is an entry in ClinVar:

NM_000821.7(GGCX):c.55A>C (p.Lys19Gln)

Gene: GGCX (gamma-glutamyl carboxylase; minus strand). Cytogenetic location: 2p11.2.
Variant type: single nucleotide variant.
Coding change: c.55A>C on transcript NM_000821.7 (MANE Select); coding-DNA position 55, A replaced by C.
Protein change: p.Lys19Gln; replaces lysine 19 with glutamine.
Molecular consequence: missense variant. On other transcripts: intron variant (1).
Genome position (GRCh38, 1-based): chr2:85,560,974, T>G on the plus strand (A>C on the coding strand, the complement: GGCX is on the minus strand). VCF-style: chr2-85560974-T-G. GRCh37 (hg19) VCF-style: chr2-85788097-T-G.
Other names: c.55A>C, p.Lys19Gln (NM_001311312.3); c.43+412A>C (NM_001142269.4); short protein forms K19Q.
Identifiers: ClinVar variation 1898883 (VCV001898883.5), dbSNP rs1319077451, ClinGen allele CA347493592.

ClinVar aggregate classification (germline): Uncertain significance. Review status: criteria provided, multiple submitters, no conflicts (2 of 4 stars). 2 submissions from 2 submitters: Uncertain significance (2). Last evaluated 2024-11-19.

Conditions:
Inborn genetic diseases. Identifiers: MedGen C0950123, MeSH D030342.

Allele frequency attached by ClinVar (database versions not stated): gnomAD 0.00001; TOPMed 0.00001; gnomAD exomes 0.00004.
gnomAD v4.1: 67 of 1,613,392 alleles (0.0042%); highest among the groups gnomAD compares: Non-Finnish European, 0.0055%; no homozygotes.

Submissions (2):

Ambry Genetics
Classification: Uncertain significance for Inborn genetic diseases. Last evaluated: 2024-11-19. Review status: criteria provided, single submitter. Criteria: Ambry Variant Classification Scheme 2023. Collection method: clinical testing. Allele origin: germline.

Labcorp Genetics (formerly Invitae), Labcorp
Classification: Uncertain significance. Last evaluated: 2022-07-15. Review status: criteria provided, single submitter. Criteria: Invitae Variant Classification Sherloc (09022015). Collection method: clinical testing. Allele origin: germline.
Comment: This sequence change replaces lysine, which is basic and polar, with glutamine, which is neutral and polar, at codon 19 of the GGCX protein (p.Lys19Gln). This variant is not present in population databases (gnomAD no frequency). This variant has not been reported in the literature in individuals affected with GGCX-related conditions. Algorithms developed to predict the effect of missense changes on protein structure and function (SIFT, PolyPhen-2, Align-GVGD) all suggest that this variant is likely to be tolerated. In summary, the available evidence is currently insufficient to determine the role of this variant in disease. Therefore, it has been classified as a Variant of Uncertain Significance.